The following is an entry in ClinVar:

ClinVar aggregate classification (germline): Uncertain significance (1 of 4 stars; one submission).

gnomAD v4.1: 1 of 1,613,442 alleles (0.000062%); highest among the groups gnomAD compares: African/African-American, 0.0013%; no homozygotes.

Submission:

Ambry Genetics
Classification: Uncertain significance. Last evaluated: 2024-04-12. Review status: criteria provided, single submitter. Criteria: Ambry Variant Classification Scheme 2023. Collection method: clinical testing. Allele origin: germline.
Comment: The p.Y135H variant (also known as c.403T>C), located in coding exon 2 of the IDH1 gene, results from a T to C substitution at nucleotide position 403. The tyrosine at codon 135 is replaced by histidine, an amino acid with similar properties. This amino acid position is conserved. In addition, this alteration is predicted to be tolerated by in silico analysis. Based on the available evidence, the clinical significance of this variant remains unclear.

NM_005896.4(IDH1):c.403T>C (p.Tyr135His)

Gene: IDH1 (isocitrate dehydrogenase (NADP(+)) 1; minus strand). Cytogenetic location: 2q34.
Variant type: single nucleotide variant.
Coding change: c.403T>C on transcript NM_005896.4 (MANE Select); coding-DNA position 403, T replaced by C.
Protein change: p.Tyr135His; replaces tyrosine 135 with histidine.
Molecular consequence: missense variant.
Genome position (GRCh38, 1-based): chr2:208,248,380, A>G on the plus strand (T>C on the coding strand, the complement: IDH1 is on the minus strand). VCF-style: chr2-208248380-A-G. GRCh37 (hg19) VCF-style: chr2-209113104-A-G.
Other names: c.403T>C, p.Tyr135His (NM_001282386.1, NM_001282387.1); short protein forms Y135H.
Identifiers: ClinVar variation 3285229 (VCV003285229.1).